The following is an entry in ClinVar:

NM_000264.5(PTCH1):c.202-16_227del

Genes: PTCH1 (patched 1; minus strand), LOC130002132 (ATAC-STARR-seq lymphoblastoid silent region 20069; plus strand). Cytogenetic location: 9q22.32.
Variant type: Deletion.
Coding change: c.202-16_227del on transcript NM_000264.5 (MANE Select); 16 bases into the intron before coding-DNA position 202 through coding-DNA position 227, 42 bases deleted.
Molecular consequence: splice acceptor variant.
Genome position (GRCh38, 1-based): chr9:95,506,574-95,506,615, 42 bases deleted. GRCh37 (hg19): chr9:98,268,856-98,268,897.
Other names: c.-252-16_-227del (NM_001083606.3, NM_001083607.3, NM_001083605.3 and 1 more transcripts); c.4-16_29del (NM_001354919.2, NM_001083602.3); c.199-16_224del (NM_001083603.3); c.202-16_227del (NM_001354918.2).
Identifiers: ClinVar variation 524530 (VCV000524530.9), dbSNP rs1554708795, ClinGen allele CA658797250.

ClinVar aggregate classification (germline): Pathogenic (1 of 4 stars; one submission).

Conditions:
Gorlin syndrome. Also called: Nevoid Basal Cell Carcinoma Syndrome; Basal cell nevus syndrome. Identifiers: Orphanet 377, MedGen C0004779, MONDO:0007187.

Submission:

Labcorp Genetics (formerly Invitae), Labcorp
Classification: Pathogenic for Gorlin syndrome. Last evaluated: 2017-10-31. Review status: criteria provided, single submitter. Criteria: Invitae Variant Classification Sherloc (09022015). Collection method: clinical testing. Allele origin: germline.
Comment: For these reasons, this variant has been classified as Pathogenic. This variant is an out-of-frame deletion of the genomic region encompassing part of exon 2 of the PTCH1 gene including the exon 2-intron 2 boundary (c.202-16_227del). This is expected to create a premature translational stop signal and result in an absent or disrupted protein product. This variant is not present in population databases (ExAC no frequency). This variant has not been reported in the literature in individuals with PTCH1-related disease. Loss-of-function variants in PTCH1 are known to be pathogenic (PMID: 16301862, 16419085).

Literature cited by the submitters: PubMed 16301862; PubMed 16419085.